The following is an entry in ClinVar:

ClinVar aggregate classification (germline): Pathogenic. Review status: criteria provided, multiple submitters, no conflicts (2 of 4 stars). 3 submissions from 3 submitters: Pathogenic (2). 1 of the submissions does not count toward it. Last evaluated 2023-12-26.

Conditions:
Kabuki syndrome 1 (KABUK1). Also called: KMT2D-Related Kabuki Syndrome. Identifiers: Orphanet 2322, MedGen CN030661, MONDO:0007843, OMIM 147920.
Kabuki syndrome. Also called: Kabuki make-up syndrome; NIIKAWA-KUROKI SYNDROME. Identifiers: Orphanet 2322, MedGen C0796004, MONDO:0016512.

Submissions (3):

3billion
Classification: Pathogenic for Kabuki syndrome 1. Last evaluated: 2023-12-26. Review status: criteria provided, single submitter. Criteria: ACMG Guidelines, 2015. Collection method: clinical testing. Allele origin: germline. Affected: yes.
Comment: The variant is not observed in the gnomAD v2.1.1 dataset. Predicted Consequence/Location: Stop-gained (nonsense): predicted to result in a loss or disruption of normal protein function through nonsense-mediated decay (NMD) or protein truncation. Multiple pathogenic variants are reported downstream of the variant. The variant has been previously reported as assumed (i.e. paternity and maternity not confirmed) de novo in at least one similarly affected unrelated individual (PMID: 27302555). The variant has been reported to be associated with KMT2D related disorder (ClinVar ID: VCV000942030 /PMID: 27302555). Therefore, this variant is classified as Pathogenic according to the recommendation of ACMG/AMP guideline.

Labcorp Genetics (formerly Invitae), Labcorp
Classification: Pathogenic for Kabuki syndrome. Last evaluated: 2019-09-01. Review status: criteria provided, single submitter. Criteria: Invitae Variant Classification Sherloc (09022015). Collection method: clinical testing. Allele origin: germline.
Comment: For these reasons, this variant has been classified as Pathogenic. Loss-of-function variants in KMT2D are known to be pathogenic (PMID: 22126750). This variant has been observed in an individual affected with clinical features of Kabuki syndrome (PMID: 27302555). This variant is not present in population databases (ExAC no frequency). This sequence change creates a premature translational stop signal (p.Gln3842*) in the KMT2D gene. It is expected to result in an absent or disrupted protein product.

Autoinflammatory diseases unit, CHU de Montpellier
Classification: Pathogenic for Kabuki syndrome 1. Last evaluated: 2013-10-01. Review status: no assertion criteria provided. Collection method: clinical testing. Allele origin: de novo. Affected: yes. Not counted in ClinVar's aggregate classification.

Literature cited by the submitters: PubMed 27302555 (cited by 3billion and Labcorp Genetics (formerly Invitae), Labcorp); PubMed 22126750 (cited by Labcorp Genetics (formerly Invitae), Labcorp).

NM_003482.4(KMT2D):c.11524C>T (p.Gln3842Ter)

Gene: KMT2D (lysine methyltransferase 2D; minus strand). Cytogenetic location: 12q13.12.
Variant type: single nucleotide variant.
Coding change: c.11524C>T on transcript NM_003482.4 (MANE Select); coding-DNA position 11524, C replaced by T.
Protein change: p.Gln3842Ter; replaces glutamine 3842 with a stop codon.
Molecular consequence: nonsense.
Genome position (GRCh38, 1-based): chr12:49,033,181, G>A on the plus strand (C>T on the coding strand, the complement: KMT2D is on the minus strand). VCF-style: chr12-49033181-G-A. GRCh37 (hg19) VCF-style: chr12-49426964-G-A.
Other names: short protein forms Q3842*.
Identifiers: ClinVar variation 942030 (VCV000942030.11), dbSNP rs1943040858, ClinGen allele CA384717936.